The following is an entry in ClinVar:

NM_012448.4(STAT5B):c.1976G>A (p.Arg659His)

Gene: STAT5B (signal transducer and activator of transcription 5B; minus strand). Cytogenetic location: 17q21.2.
Variant type: single nucleotide variant.
Coding change: c.1976G>A on transcript NM_012448.4 (MANE Select); coding-DNA position 1976, G replaced by A.
Protein change: p.Arg659His; replaces arginine 659 with histidine.
Molecular consequence: missense variant.
Genome position (GRCh38, 1-based): chr17:42,207,659, C>T on the plus strand (G>A on the coding strand, the complement: STAT5B is on the minus strand). VCF-style: chr17-42207659-C-T. GRCh37 (hg19) VCF-style: chr17-40359677-C-T.
Other names: short protein forms R659H.
Identifiers: ClinVar variation 2920203 (VCV002920203.3), dbSNP rs2080097389, ClinGen allele CA399575841.

ClinVar aggregate classification (germline): Uncertain significance (1 of 4 stars; one submission).

Conditions:
Growth hormone insensitivity with immune dysregulation 1, autosomal recessive. Also called: GROWTH HORMONE INSENSITIVITY DUE TO POSTRECEPTOR DEFECT; GROWTH HORMONE INSENSITIVITY SYNDROME WITH IMMUNE DYSREGULATION 1, AUTOSOMAL RECESSIVE; Laron syndrome with immunodeficiency; LARON SYNDROME DUE TO POSTRECEPTOR DEFECT. Identifiers: Orphanet 220465, MedGen C5435698, MONDO:0100211, OMIM 245590.

gnomAD v4.1: 2 of 1,614,084 alleles (0.00012%); highest among the groups gnomAD compares: Non-Finnish European, 0.00017%; no homozygotes.

Submission:

Labcorp Genetics (formerly Invitae), Labcorp
Classification: Uncertain significance for Growth hormone insensitivity with immune dysregulation 1, autosomal recessive. Last evaluated: 2026-01-27. Review status: criteria provided, single submitter. Criteria: Invitae Variant Classification Sherloc (09022015). Collection method: clinical testing. Allele origin: germline.
Comment: This sequence change replaces arginine, which is basic and polar, with histidine, which is basic and polar, at codon 659 of the STAT5B protein (p.Arg659His). This variant is not present in population databases (gnomAD no frequency). This variant has not been reported in the literature in individuals affected with STAT5B-related conditions. ClinVar contains an entry for this variant (Variation ID: 2920203). Invitae Evidence Modeling of protein sequence and biophysical properties (such as structural, functional, and spatial information, amino acid conservation, physicochemical variation, residue mobility, and thermodynamic stability) indicates that this missense variant is expected to disrupt STAT5B protein function with a positive predictive value of 80%. In summary, the available evidence is currently insufficient to determine the role of this variant in disease. Therefore, it has been classified as a Variant of Uncertain Significance.